The following is an entry in ClinVar:

NM_002335.4(LRP5):c.3940C>T (p.Arg1314Cys)

Gene: LRP5 (LDL receptor related protein 5; plus strand). Cytogenetic location: 11q13.2.
Variant type: single nucleotide variant.
Coding change: c.3940C>T on transcript NM_002335.4 (MANE Select); coding-DNA position 3940, C replaced by T.
Protein change: p.Arg1314Cys; replaces arginine 1314 with cysteine.
Molecular consequence: missense variant.
Genome position (GRCh38, 1-based): chr11:68,433,778, C>T. VCF-style: chr11-68433778-C-T. GRCh37 (hg19) VCF-style: chr11-68201246-C-T.
Other names: c.3940C>T (NM_002335.2, NM_002335.3); c.2197C>T, p.Arg733Cys (NM_001291902.2); short protein forms R1314C, R733C.
Identifiers: ClinVar variation 2149797 (VCV002149797.7), dbSNP rs373750800, ClinGen allele CA6150162.

ClinVar aggregate classification (germline): Uncertain significance. Review status: criteria provided, multiple submitters, no conflicts (2 of 4 stars). 4 submissions from 4 submitters: Uncertain significance (4). Last evaluated 2025-09-07.

Conditions:
LRP5-related disorder. Also called: LRP5-related condition.
Inborn genetic diseases. Identifiers: MedGen C0950123, MeSH D030342.
Bone mineral density quantitative trait locus 1 (BMND1). Identifiers: MedGen C1866079, OMIM 601884.
Exudative vitreoretinopathy 4 (EVR4). Identifiers: Orphanet 891, MedGen C1866176, MONDO:0011151, OMIM 601813.
Worth disease. Also called: ENDOSTEAL HYPEROSTOSIS, AUTOSOMAL DOMINANT; OSTEOSCLEROSIS, AUTOSOMAL DOMINANT; Autosomal dominant osteosclerosis, Worth type. Identifiers: Orphanet 2790, MedGen C0432273, MONDO:0007764, OMIM 144750.
Autosomal dominant osteopetrosis 1 (OPTA1). Also called: OSTEOPETROSIS, AUTOSOMAL DOMINANT, TYPE I. Identifiers: Orphanet 2783, MedGen C1843330, MONDO:0011877, OMIM 607634.
Polycystic liver disease 4 with or without kidney cysts. Identifiers: MedGen C4693479, MONDO:0044327, OMIM 617875.
Osteoporosis with pseudoglioma (OPPG). Also called: osteoporosis-pseudoglioma syndrome. Identifiers: Orphanet 2788, MedGen C0432252, MONDO:0009820, OMIM 259770.

Allele frequency attached by ClinVar (database versions not stated): gnomAD exomes 0.00001; gnomAD 0.00002; TOPMed 0.00002; ExAC 0.00003; ESP Exome Variant Server 0.00008; 1000 Genomes Project 30x 0.00016.
gnomAD v4.1: 14 of 1,612,522 alleles (0.00087%); highest among the groups gnomAD compares: East Asian, 0.0022%; no homozygotes.

Submissions (4):

Labcorp Genetics (formerly Invitae), Labcorp
Classification: Uncertain significance. Last evaluated: 2025-09-07. Review status: criteria provided, single submitter. Criteria: Invitae Variant Classification Sherloc (09022015). Collection method: clinical testing. Allele origin: germline.
Comment: This sequence change replaces arginine, which is basic and polar, with cysteine, which is neutral and slightly polar, at codon 1314 of the LRP5 protein (p.Arg1314Cys). This variant is present in population databases (rs373750800, gnomAD 0.005%). This variant has not been reported in the literature in individuals affected with LRP5-related conditions. ClinVar contains an entry for this variant (Variation ID: 2149797). Invitae Evidence Modeling of protein sequence and biophysical properties (such as structural, functional, and spatial information, amino acid conservation, physicochemical variation, residue mobility, and thermodynamic stability) indicates that this missense variant is not expected to disrupt LRP5 protein function with a negative predictive value of 95%. In summary, the available evidence is currently insufficient to determine the role of this variant in disease. Therefore, it has been classified as a Variant of Uncertain Significance.

PreventionGenetics, part of Exact Sciences
Classification: Uncertain significance for LRP5-related condition. Last evaluated: 2025-09-04. Review status: criteria provided, single submitter. Criteria: ACMG Guidelines, 2015. Collection method: clinical testing. Allele origin: germline.
Comment: The LRP5 c.3940C>T variant is predicted to result in the amino acid substitution p.Arg1314Cys. To our knowledge, this variant has not been reported in the literature. This variant is reported in 0.0036% of alleles in individuals of European (Non-Finnish) descent in gnomAD. At this time, the clinical significance of this variant is uncertain due to the absence of conclusive functional and genetic evidence.

Fulgent Genetics
Classification: Uncertain significance for Worth disease; Osteoporosis with pseudoglioma; Exudative vitreoretinopathy 4; Bone mineral density quantitative trait locus 1; Autosomal dominant osteopetrosis 1; Polycystic liver disease 4 with or without kidney cysts. Last evaluated: 2024-05-19. Review status: criteria provided, single submitter. Criteria: ACMG Guidelines, 2015. Collection method: clinical testing. Allele origin: germline.

Ambry Genetics
Classification: Uncertain significance for Inborn genetic diseases. Last evaluated: 2023-12-18. Review status: criteria provided, single submitter. Criteria: Ambry Variant Classification Scheme 2023. Collection method: clinical testing. Allele origin: germline.